The following is an entry in ClinVar:

ClinVar aggregate classification (germline): Uncertain significance (1 of 4 stars; one submission).

Allele frequency attached by ClinVar (database versions not stated): gnomAD exomes 0.00001.
gnomAD v4.1: 6 of 1,211,597 alleles (0.0005%); highest among the groups gnomAD compares: Non-Finnish European, 0.00067%; no homozygotes.

Submission:

Labcorp Genetics (formerly Invitae), Labcorp
Classification: Uncertain significance. Last evaluated: 2022-06-14. Review status: criteria provided, single submitter. Criteria: Invitae Variant Classification Sherloc (09022015). Collection method: clinical testing. Allele origin: germline.
Comment: This sequence change replaces leucine, which is neutral and non-polar, with valine, which is neutral and non-polar, at codon 240 of the NEXMIF protein (p.Leu240Val). This variant is not present in population databases (gnomAD no frequency). In summary, the available evidence is currently insufficient to determine the role of this variant in disease. Therefore, it has been classified as a Variant of Uncertain Significance. Algorithms developed to predict the effect of missense changes on protein structure and function (SIFT, PolyPhen-2, Align-GVGD) all suggest that this variant is likely to be disruptive. This variant has not been reported in the literature in individuals affected with NEXMIF-related conditions.

NM_001008537.3(NEXMIF):c.718C>G (p.Leu240Val)

Gene: NEXMIF (neurite extension and migration factor; minus strand). Cytogenetic location: Xq13.3.
Variant type: single nucleotide variant.
Coding change: c.718C>G on transcript NM_001008537.3 (MANE Select); coding-DNA position 718, C replaced by G.
Protein change: p.Leu240Val; replaces leucine 240 with valine.
Molecular consequence: missense variant.
Genome position (GRCh38, 1-based): chrX:74,743,839, G>C on the plus strand (C>G on the coding strand, the complement: NEXMIF is on the minus strand). VCF-style: chrX-74743839-G-C. GRCh37 (hg19) VCF-style: chrX-73963674-G-C.
Other names: short protein forms L240V.
Identifiers: ClinVar variation 1924371 (VCV001924371.5), dbSNP rs2519916306, ClinGen allele CA413672694.